The following is an entry in ClinVar:

ClinVar aggregate classification (germline): Uncertain significance (1 of 4 stars; one submission).

gnomAD v4.1: 3 of 1,612,906 alleles (0.00019%); highest among the groups gnomAD compares: Admixed American, 0.0017%; no homozygotes.

Submission:

Labcorp Genetics (formerly Invitae), Labcorp
Classification: Uncertain significance. Last evaluated: 2025-12-27. Review status: criteria provided, single submitter. Criteria: Invitae Variant Classification Sherloc (09022015). Collection method: clinical testing. Allele origin: germline.
Comment: This sequence change replaces serine, which is neutral and polar, with cysteine, which is neutral and slightly polar, at codon 420 of the C2CD3 protein (p.Ser420Cys). This variant is present in population databases (no rsID available, gnomAD 0.003%). This variant has not been reported in the literature in individuals affected with C2CD3-related conditions. Invitae Evidence Modeling of protein sequence and biophysical properties (such as structural, functional, and spatial information, amino acid conservation, physicochemical variation, residue mobility, and thermodynamic stability) indicates that this missense variant is expected to disrupt C2CD3 protein function with a positive predictive value of 80%. In summary, the available evidence is currently insufficient to determine the role of this variant in disease. Therefore, it has been classified as a Variant of Uncertain Significance.

NM_001286577.2(C2CD3):c.1259C>G (p.Ser420Cys)

Gene: C2CD3 (C2 domain containing 3 centriole elongation regulator; minus strand). Cytogenetic location: 11q13.4.
Variant type: single nucleotide variant.
Coding change: c.1259C>G on transcript NM_001286577.2 (MANE Select); coding-DNA position 1259, C replaced by G.
Protein change: p.Ser420Cys; replaces serine 420 with cysteine.
Molecular consequence: missense variant.
Genome position (GRCh38, 1-based): chr11:74,123,094, G>C on the plus strand (C>G on the coding strand, the complement: C2CD3 is on the minus strand). VCF-style: chr11-74123094-G-C. GRCh37 (hg19) VCF-style: chr11-73834139-G-C.
Other names: c.1259C>G, p.Ser420Cys (NM_015531.6); short protein forms S420C.
Identifiers: ClinVar variation 4768214 (VCV004768214.1).